The following is an entry in ClinVar:

ClinVar aggregate classification (germline): Likely benign (1 of 4 stars; one submission).

Conditions:
Familial hemophagocytic lymphohistiocytosis 4 (FHL4). Also called: STX11-Related Familial Hemophagocytic Lymphohistiocytosis (STX11-fHLH). Identifiers: Orphanet 540, MedGen C1863728, MONDO:0011336, OMIM 603552.

Allele frequency attached by ClinVar (database versions not stated): 1000 Genomes Project 30x 0.00297; gnomAD 0.00302 and 0.00321; TOPMed 0.00332; 1000 Genomes Project 0.00359.
gnomAD v4.1: 458 of 152,252 alleles (0.3%); highest among the groups gnomAD compares: African/African-American, 1%; 1 homozygote.

Submission:

Illumina Laboratory Services, Illumina
Classification: Likely benign for Familial hemophagocytic lymphohistiocytosis 4. Last evaluated: 2018-01-13. Review status: criteria provided, single submitter. Criteria: ICSL Variant Classification Criteria 13 December 2019. Collection method: clinical testing. Allele origin: germline.
Comment: This variant was observed in the ICSL laboratory as part of a predisposition screen in an ostensibly healthy population. It had not been previously curated by ICSL or reported in the Human Gene Mutation Database (HGMD: prior to June 1st, 2018), and was therefore a candidate for classification through an automated scoring system. Utilizing variant allele frequency, disease prevalence and penetrance estimates, and inheritance mode, an automated score was calculated to assess if this variant is too frequent to cause the disease. Based on the score and internal cut-off values, a variant classified as likely benign is not then subjected to further curation. The score for this variant resulted in a classification of likely benign for this disease.

NM_003764.4(STX11):c.*3298T>A

Gene: STX11 (syntaxin 11; plus strand). Cytogenetic location: 6q24.2.
Variant type: single nucleotide variant.
Coding change: c.*3298T>A on transcript NM_003764.4 (MANE Select); 3298 bases downstream of the stop codon, T replaced by A.
Molecular consequence: 3 prime UTR variant.
Genome position (GRCh38, 1-based): chr6:144,190,789, T>A. VCF-style: chr6-144190789-T-A. GRCh37 (hg19) VCF-style: chr6-144511926-T-A.
Other names: c.*3298T>A (LRG_113t1).
Identifiers: ClinVar variation 355649 (VCV000355649.5), dbSNP rs75318897, ClinGen allele CA10621582.